The following is an entry in ClinVar:

ClinVar aggregate classification (germline): Uncertain significance. Review status: criteria provided, multiple submitters, no conflicts (2 of 4 stars). 2 submissions from 2 submitters: Uncertain significance (2). Last evaluated 2021-09-24.

Conditions:
RASopathy. Also called: rasopathies; Noonan spectrum disorder. Identifiers: Orphanet 536391, MedGen C5555857, MONDO:0021060.

Submissions (2):

Labcorp Genetics (formerly Invitae), Labcorp
Classification: Uncertain significance for RASopathy. Last evaluated: 2021-09-24. Review status: criteria provided, single submitter. Criteria: Invitae Variant Classification Sherloc (09022015). Collection method: clinical testing. Allele origin: germline.
Comment: This sequence change replaces cysteine with serine at codon 333 of the PTPN11 protein (p.Cys333Ser). The cysteine residue is highly conserved and there is a moderate physicochemical difference between cysteine and serine. This variant is not present in population databases (ExAC no frequency). This variant has not been reported in the literature in individuals with PTPN11-related conditions. ClinVar contains an entry for this variant (Variation ID: 181501). Advanced modeling of protein sequence and biophysical properties (such as structural, functional, and spatial information, amino acid conservation, physicochemical variation, residue mobility, and thermodynamic stability) performed at Invitae indicates that this missense variant is expected to disrupt PTPN11 protein function. In summary, the available evidence is currently insufficient to determine the role of this variant in disease. Therefore, it has been classified as a Variant of Uncertain Significance.

GeneDx
Classification: Uncertain significance. Last evaluated: 2014-03-12. Review status: criteria provided, single submitter. Criteria: GeneDx Variant Classification (06012015). Collection method: clinical testing. Allele origin: germline. Affected: yes.
Comment: The C333S variant has not been published as a mutation, nor has it been reported as a benign polymorphism, to our knowledge. The C333S variant was not observed in approximately 6500 individuals of European and African American ancestry in the NHLBI Exome Sequencing Project, indicating it is not a common benign variant in these populations. The C333S variant is a non-conservative amino acid substitution, which is likely to impact secondary protein structure as these residues differ in polarity, charge, size and/or other properties. This substitution occurs at a position that is conserved across species. In silico analysis predicts this variant is probably damaging to the protein structure/function. Based on the currently available information, it is unclear whether this variant is a pathogenic mutation or a rare benign variant.The variant is found in NOONAN panel(s).

NM_002834.5(PTPN11):c.997T>A (p.Cys333Ser)

Gene: PTPN11 (protein tyrosine phosphatase non-receptor type 11; plus strand). Cytogenetic location: 12q24.13.
Variant type: single nucleotide variant.
Coding change: c.997T>A on transcript NM_002834.5 (MANE Select); coding-DNA position 997, T replaced by A.
Protein change: p.Cys333Ser; replaces cysteine 333 with serine.
Molecular consequence: missense variant.
Genome position (GRCh38, 1-based): chr12:112,477,920, T>A. VCF-style: chr12-112477920-T-A. GRCh37 (hg19) VCF-style: chr12-112915724-T-A.
Other names: p.C333S:TGC>AGC; c.997T>A, p.Cys333Ser (NM_001330437.2, NM_080601.3); c.994T>A, p.Cys332Ser (NM_001374625.1); short protein forms C333S, C332S.
Identifiers: ClinVar variation 181501 (VCV000181501.7), dbSNP rs730880993, ClinGen allele CA297091.